The following is an entry in ClinVar:

ClinVar aggregate classification (germline): Likely benign. Review status: criteria provided, multiple submitters, no conflicts (2 of 4 stars). 3 submissions from 3 submitters: Likely benign (2). 1 of the submissions does not count toward it. Last evaluated 2025-11-13.

Conditions:
Polycystic kidney disease 4 (PKD4). Also called: POLYCYSTIC KIDNEY AND HEPATIC DISEASE 1; POLYCYSTIC KIDNEY DISEASE, INFANTILE, TYPE I; Autosomal Recessive Polycystic Kidney Disease – PKHD1; POLYCYSTIC KIDNEY DISEASE 4 WITH OR WITHOUT POLYCYSTIC LIVER DISEASE; PKD3. Identifiers: MedGen C4540575, MONDO:0033004, OMIM 263200.
PKHD1-related disorder. Also called: PKHD1-related condition.
Autosomal recessive polycystic kidney disease (ARPKD). Also called: AR polycystic kidney disease. Identifiers: Orphanet 731, Orphanet 8378, MedGen C0085548, MeSH D017044, MONDO:0009889.

Allele frequency attached by ClinVar (database versions not stated): gnomAD exomes 0.00001 and 0.00003; ExAC 0.00003; gnomAD 0.00018 and 0.00019; TOPMed 0.00028; 1000 Genomes Project 0.00060; 1000 Genomes Project 30x 0.00062.
gnomAD v4.1: 43 of 1,610,762 alleles (0.0027%); highest among the groups gnomAD compares: Admixed American, 0.048%; no homozygotes.

Submissions (3):

Labcorp Genetics (formerly Invitae), Labcorp
Classification: Likely benign for Autosomal recessive polycystic kidney disease. Last evaluated: 2025-11-13. Review status: criteria provided, single submitter. Criteria: Invitae Variant Classification Sherloc (09022015). Collection method: clinical testing. Allele origin: germline.

Fulgent Genetics
Classification: Likely benign for Polycystic kidney disease 4. Last evaluated: 2021-12-13. Review status: criteria provided, single submitter. Criteria: ACMG Guidelines, 2015. Collection method: clinical testing. Allele origin: unknown.

PreventionGenetics, part of Exact Sciences
Classification: Likely benign for PKHD1-related condition. Last evaluated: 2021-12-08. Review status: no assertion criteria provided. Collection method: clinical testing. Allele origin: germline. Not counted in ClinVar's aggregate classification.
Comment: This variant is classified as likely benign based on ACMG/AMP sequence variant interpretation guidelines (Richards et al. 2015 PMID: 25741868, with internal and published modifications).

NM_138694.4(PKHD1):c.6490+8A>G

Gene: PKHD1 (PKHD1 ciliary IPT domain containing fibrocystin/polyductin; minus strand). Cytogenetic location: 6p12.2.
Variant type: single nucleotide variant.
Coding change: c.6490+8A>G on transcript NM_138694.4 (MANE Select); 8 bases into the intron after coding-DNA position 6490, A replaced by G.
Molecular consequence: intron variant.
Genome position (GRCh38, 1-based): chr6:51,911,791, T>C on the plus strand (A>G on the coding strand, the complement: PKHD1 is on the minus strand). VCF-style: chr6-51911791-T-C. GRCh37 (hg19) VCF-style: chr6-51776589-T-C.
Other names: c.6490+8A>G (NM_138694.3, NM_170724.3).
Identifiers: ClinVar variation 1139264 (VCV001139264.12), dbSNP rs201984652, ClinGen allele CA3852249.